The following is an entry in ClinVar:

ClinVar aggregate classification (germline): Uncertain significance. Review status: criteria provided, multiple submitters, no conflicts (2 of 4 stars). 2 submissions from 2 submitters: Uncertain significance (2). Last evaluated 2025-05-20.

Conditions:
Gastrointestinal stromal tumor. Also called: Gastrointestinal stromal tumor, somatic; Gastrointestinal stroma tumor. Identifiers: Orphanet 44890, MedGen C0238198, MeSH D046152, MONDO:0011719, OMIM 606764, HP:0100723.
Hereditary cancer-predisposing syndrome. Also called: Hereditary Cancer Syndrome; Tumor predisposition; Neoplastic Syndromes, Hereditary; Hereditary neoplastic syndrome. Identifiers: Orphanet 140162, MedGen C0027672, MeSH D009386, MONDO:0015356.

Allele frequency attached by ClinVar (database versions not stated): gnomAD exomes below 0.00001; TOPMed below 0.00001; gnomAD 0.00003.
gnomAD v4.1: 1 of 1,614,094 alleles (0.000062%); highest among the groups gnomAD compares: Non-Finnish European, 0.000085%; no homozygotes.

Submissions (2):

Ambry Genetics
Classification: Uncertain significance for Hereditary cancer-predisposing syndrome. Last evaluated: 2025-05-20. Review status: criteria provided, single submitter. Criteria: Ambry Variant Classification Scheme 2023. Collection method: clinical testing. Allele origin: germline.
Comment: The p.V832M variant (also known as c.2494G>A), located in coding exon 17 of the PDGFRA gene, results from a G to A substitution at nucleotide position 2494. The valine at codon 832 is replaced by methionine, an amino acid with highly similar properties. This amino acid position is highly conserved in available vertebrate species. In addition, this alteration is predicted to be deleterious by in silico analysis. Based on the available evidence, the clinical significance of this variant remains unclear.

Labcorp Genetics (formerly Invitae), Labcorp
Classification: Uncertain significance for Gastrointestinal stromal tumor. Last evaluated: 2024-08-12. Review status: criteria provided, single submitter. Criteria: Invitae Variant Classification Sherloc (09022015). Collection method: clinical testing. Allele origin: germline.
Comment: This sequence change replaces valine, which is neutral and non-polar, with methionine, which is neutral and non-polar, at codon 832 of the PDGFRA protein (p.Val832Met). This variant is present in population databases (no rsID available, gnomAD 0.004%). This variant has not been reported in the literature in individuals affected with PDGFRA-related conditions. ClinVar contains an entry for this variant (Variation ID: 642735). Advanced modeling of protein sequence and biophysical properties (such as structural, functional, and spatial information, amino acid conservation, physicochemical variation, residue mobility, and thermodynamic stability) has been performed at Invitae for this missense variant, however the output from this modeling did not meet the statistical confidence thresholds required to predict the impact of this variant on PDGFRA protein function. In summary, the available evidence is currently insufficient to determine the role of this variant in disease. Therefore, it has been classified as a Variant of Uncertain Significance.

NM_006206.6(PDGFRA):c.2494G>A (p.Val832Met)

Gene: PDGFRA (platelet derived growth factor receptor alpha; plus strand). Cytogenetic location: 4q12.
Variant type: single nucleotide variant.
Coding change: c.2494G>A on transcript NM_006206.6 (MANE Select); coding-DNA position 2494, G replaced by A.
Protein change: p.Val832Met; replaces valine 832 with methionine.
Molecular consequence: missense variant.
Genome position (GRCh38, 1-based): chr4:54,285,895, G>A. VCF-style: chr4-54285895-G-A. GRCh37 (hg19) VCF-style: chr4-55152062-G-A.
Other names: c.2569G>A, p.Val857Met (NM_001347828.2); c.2494G>A, p.Val832Met (NM_001347829.2); c.2533G>A, p.Val845Met (NM_001347830.2); short protein forms V845M, V857M, V832M.
Identifiers: ClinVar variation 642735 (VCV000642735.10), dbSNP rs1315803700, ClinGen allele CA356894961.